The following is an entry in ClinVar:

NM_025103.4(IFT74):c.62C>T (p.Thr21Ile)

Gene: IFT74 (intraflagellar transport 74; plus strand). Cytogenetic location: 9p21.2.
Variant type: single nucleotide variant.
Coding change: c.62C>T on transcript NM_025103.4 (MANE Select); coding-DNA position 62, C replaced by T.
Protein change: p.Thr21Ile; replaces threonine 21 with isoleucine.
Molecular consequence: missense variant.
Genome position (GRCh38, 1-based): chr9:26,962,029, C>T. VCF-style: chr9-26962029-C-T. GRCh37 (hg19) VCF-style: chr9-26962027-C-T.
Other names: c.62C>T, p.Thr21Ile (NM_001099222.3, NM_001099223.3, NM_001099224.3 and 1 more transcripts); short protein forms T21I.
Identifiers: ClinVar variation 2054783 (VCV002054783.4), dbSNP rs1352916986, ClinGen allele CA373120162.

ClinVar aggregate classification (germline): Uncertain significance (1 of 4 stars; one submission).

Submission:

Labcorp Genetics (formerly Invitae), Labcorp
Classification: Uncertain significance. Last evaluated: 2025-04-17. Review status: criteria provided, single submitter. Criteria: Invitae Variant Classification Sherloc (09022015). Collection method: clinical testing. Allele origin: germline.
Comment: This sequence change replaces threonine, which is neutral and polar, with isoleucine, which is neutral and non-polar, at codon 21 of the IFT74 protein (p.Thr21Ile). This variant is not present in population databases (gnomAD no frequency). This variant has not been reported in the literature in individuals affected with IFT74-related conditions. ClinVar contains an entry for this variant (Variation ID: 2054783). An algorithm developed to predict the effect of missense changes on protein structure and function outputs the following: PolyPhen-2: "Benign". The isoleucine amino acid residue is found in multiple mammalian species, which suggests that this missense change does not adversely affect protein function. In summary, the available evidence is currently insufficient to determine the role of this variant in disease. Therefore, it has been classified as a Variant of Uncertain Significance.